The following is an entry in ClinVar:

ClinVar aggregate classification (germline): Pathogenic. Review status: reviewed by expert panel (3 of 4 stars). 2 submissions from 2 submitters: Pathogenic (1). 1 of the submissions does not count toward it. Last evaluated 2025-03-26.

Conditions:
Acute myeloid leukemia (AML). Also called: Acute myeloid leukemia, adult; AML adult; Acute non-lymphocytic leukemia; Acute granulocytic leukemia; Leukemia, acute myeloid, somatic; Leukemia, acute myelogenous, somatic. Identifiers: Orphanet 519, MedGen C0023467, MeSH D015470, MONDO:0018874, OMIM 601626, HP:0004808. Disease mechanism: Constitutively activated FLT3.
Hereditary thrombocytopenia and hematological cancer predisposition syndrome associated with RUNX1. Also called: PLATELET DISORDER, ASPIRIN-LIKE; Familial Platelet Disorder with Propensity to Acute Myelogenous Leukemia; Familial thrombocytopenia with propensity to acute myelogenous leukemia; RUNX1 Familial Platelet Disorder with Associated Myeloid Malignancies. Identifiers: Orphanet 71290, MedGen C1832388, MeSH C563324, MONDO:0100083, OMIM 601399.
Hereditary thrombocytopenia and hematologic cancer predisposition syndrome. Identifiers: Orphanet 71290, MedGen CN281654, MONDO:0011071.

Submissions (2):

ClinGen Myeloid Malignancy Variant Curation Expert Panel
Classification: Pathogenic for Hereditary thrombocytopenia and hematologic cancer predisposition syndrome. Last evaluated: 2025-03-26. Review status: reviewed by expert panel. Criteria: ClinGen MyeloMalig ACMG Specifications v2. Collection method: curation. Allele origin: germline. Inheritance: Autosomal dominant inheritance.
Comment: NM_001754.5(RUNX1):c.500_502delinsTT (p.Ser167fs) is a frameshift variant which is predicted to undergo nonsense-mediated decay in a gene in which loss-of-function is an established mechanism (frameshift (-) c.98–c.758 as per VCEP specifications) (PVS1). This variant is completely absent from all population databases with at least 20x coverage for RUNX1 (PM2_supporting). This variant is downstream of c.98 (PM5_supporting). In summary, this variant meets criteria to be classified as pathogenic. ACMG/AMP criteria applied, as specified by the Myeloid Malignancy Variant Curation Expert Panel for RUNX1: PVS1, PM2_supporting, PM5_supporting.

Fulgent Genetics
Classification: Likely pathogenic for Hereditary thrombocytopenia and hematological cancer predisposition syndrome associated with RUNX1; Acute myeloid leukemia. Last evaluated: 2024-06-14. Review status: criteria provided, single submitter. Criteria: ACMG Guidelines, 2015. Collection method: clinical testing. Allele origin: germline. Not counted in ClinVar's aggregate classification.

NM_001754.5(RUNX1):c.500_502delinsTT (p.Ser167fs)

Genes: RUNX1 (RUNX family transcription factor 1; minus strand), RUNX1-AS1 (RUNX1 antisense RNA 1; plus strand). Cytogenetic location: 21q22.12.
Variant type: Indel.
Coding change: c.500_502delinsTT on transcript NM_001754.5 (MANE Select); coding-DNA positions 500 to 502, GTG replaced by TT.
Protein change: p.Ser167fs; shifts the reading frame from serine 167.
Molecular consequence: frameshift variant.
Genome position (GRCh38, 1-based): chr21:34,880,563-34,880,565, CAC replaced by AA on the plus strand (GTG replaced by TT on the coding strand, the reverse complement: RUNX1 is on the minus strand). VCF-style: chr21-34880563-CAC-AA. GRCh37 (hg19) VCF-style: chr21-36252860-CAC-AA.
Other names: NM_001754.5(RUNX1):c.500_502delinsTT; p.Ser167fs; c.419_421delinsTT, p.Ser140fs (NM_001001890.3, NM_001122607.2); short protein forms S140fs, S167fs.
Identifiers: ClinVar variation 3587669 (VCV003587669.2).